The following is an entry in ClinVar:

ClinVar aggregate classification (germline): Likely pathogenic (1 of 4 stars; one submission).

Conditions:
Ehlers-Danlos syndrome, dermatosparaxis type. Also called: Dermatosparaxis; EDS VIIC; Ehlers-Danlos syndrome, type VII, autosomal recessive. Identifiers: Orphanet 1901, MedGen C2700425, MONDO:0009161, OMIM 225410.

Allele frequency attached by ClinVar (database versions not stated): gnomAD exomes below 0.00001.
gnomAD v4.1: 2 of 1,598,140 alleles (0.00013%); highest among the groups gnomAD compares: Non-Finnish European, 0.000085%; no homozygotes.

Submission:

Myriad Genetics, Inc.
Classification: Likely pathogenic for Ehlers-Danlos syndrome, dermatosparaxis type. Last evaluated: 2021-12-30. Review status: criteria provided, single submitter. Criteria: Myriad Women's Health Autosomal Recessive and X-Linked Classification Criteria (2021). Collection method: clinical testing. Allele origin: unknown.
Comment: NM_014244.4(ADAMTS2):c.1318C>T(Q440*) is expected to be pathogenic in the context of Ehlers-Danlos syndrome type VIIC. This variant is predicted to lead to an abnormal or absent protein product due to the creation of a premature termination codon in ADAMTS2, a gene where loss-of-function variants are known to be pathogenic. Please note: this variant was assessed in the context of healthy population screening.

NM_014244.5(ADAMTS2):c.1318C>T (p.Gln440Ter)

Gene: ADAMTS2 (ADAM metallopeptidase with thrombospondin type 1 motif 2; minus strand). Cytogenetic location: 5q35.3.
Variant type: single nucleotide variant.
Coding change: c.1318C>T on transcript NM_014244.5 (MANE Select); coding-DNA position 1318, C replaced by T.
Protein change: p.Gln440Ter; replaces glutamine 440 with a stop codon.
Molecular consequence: nonsense.
Genome position (GRCh38, 1-based): chr5:179,154,113, G>A on the plus strand (C>T on the coding strand, the complement: ADAMTS2 is on the minus strand). VCF-style: chr5-179154113-G-A. GRCh37 (hg19) VCF-style: chr5-178581114-G-A.
Other names: c.1318C>T, p.Gln440Ter (NM_021599.4); short protein forms Q440*.
Identifiers: ClinVar variation 1726691 (VCV001726691.2), dbSNP rs2480242738, ClinGen allele CA362433548.
Genomic context (GRCh38, chr5:179,154,113, plus strand): 5'-GGTAGCGGCTCAGCTCCTGCTGGCTGCAGCGGGACCAGTGGAAGCGGTGGAAGGCGGCCT[G>A]CACCAGGGGCGCCATGATGCTGCCCAGCCGCACCTCGTCGCCACAGCGGTTGCCCTGCCC-3'